The following is an entry in ClinVar:

NM_173494.2(DNAAF6):c.198T>G (p.Ile66Met)

Gene: DNAAF6 (dynein axonemal assembly factor 6; plus strand). Cytogenetic location: Xq22.3.
Variant type: single nucleotide variant.
Coding change: c.198T>G on transcript NM_173494.2 (MANE Select); coding-DNA position 198, T replaced by G.
Protein change: p.Ile66Met; replaces isoleucine 66 with methionine.
Molecular consequence: missense variant.
Genome position (GRCh38, 1-based): chrX:107,216,715, T>G. VCF-style: chrX-107216715-T-G. GRCh37 (hg19) VCF-style: chrX-106459945-T-G.
Other names: c.198T>G, p.Ile66Met (NM_001169154.2); short protein forms I66M.
Identifiers: ClinVar variation 1683172 (VCV001683172.6), dbSNP rs760885373, ClinGen allele CA10484624.

ClinVar aggregate classification (germline): Uncertain significance (1 of 4 stars; one submission).

Allele frequency attached by ClinVar (database versions not stated): TOPMed below 0.00001; ExAC 0.00001; gnomAD 0.00001; gnomAD exomes 0.00001.
gnomAD v4.1: 1 of 1,199,094 alleles (0.000083%); highest among the groups gnomAD compares: Non-Finnish European, 0.00011%; no homozygotes.

Submission:

Labcorp Genetics (formerly Invitae), Labcorp
Classification: Uncertain significance. Last evaluated: 2021-10-23. Review status: criteria provided, single submitter. Criteria: Invitae Variant Classification Sherloc (09022015). Collection method: clinical testing. Allele origin: germline.
Comment: In summary, the available evidence is currently insufficient to determine the role of this variant in disease. Therefore, it has been classified as a Variant of Uncertain Significance. Algorithms developed to predict the effect of missense changes on protein structure and function are either unavailable or do not agree on the potential impact of this missense change (SIFT: "Deleterious"; PolyPhen-2: "Probably Damaging"; Align-GVGD: "Class C0"). This variant has not been reported in the literature in individuals affected with PIH1D3-related conditions. This variant is present in population databases (rs760885373, gnomAD 0.001%). This sequence change replaces isoleucine, which is neutral and non-polar, with methionine, which is neutral and non-polar, at codon 66 of the PIH1D3 protein (p.Ile66Met).